The following is an entry in ClinVar:

NM_002471.4(MYH6):c.3731_3732+3del

Gene: MYH6 (myosin heavy chain 6; minus strand). Cytogenetic location: 14q11.2.
Variant type: Deletion.
Coding change: c.3731_3732+3del on transcript NM_002471.4 (MANE Select); coding-DNA position 3731 through 3 bases into the intron after coding-DNA position 3732, 5 bases deleted (AGGCA; older notation c.3731_3732+3delAGGCA).
Molecular consequence: splice donor variant.
Genome position (GRCh38, 1-based): chr14:23,390,054-23,390,058, TGCCT deleted on the plus strand (AGGCA on the coding strand, the reverse complement: MYH6 is on the minus strand); deleting any 5 consecutive bases within chr14:23,390,054-23,390,060 gives the same sequence; the c. name uses the placement nearest the transcript's 3' end. VCF-style (leftmost placement, unchanged base first): chr14-23390053-CTGCCT-C. GRCh37 (hg19) VCF-style: chr14-23859262-CTGCCT-C.
Identifiers: ClinVar variation 945837 (VCV000945837.7), dbSNP rs1891184313, ClinGen allele CA1139663410.

ClinVar aggregate classification (germline): Uncertain significance (1 of 4 stars; one submission).

Conditions:
Hypertrophic cardiomyopathy 14. Identifiers: MedGen C2750467, MONDO:0013197, OMIM 613251.

Submission:

Labcorp Genetics (formerly Invitae), Labcorp
Classification: Uncertain significance for Hypertrophic cardiomyopathy 14. Last evaluated: 2019-07-22. Review status: criteria provided, single submitter. Criteria: Invitae Variant Classification Sherloc (09022015). Collection method: clinical testing. Allele origin: germline.
Comment: This variant is a deletion of the genomic region encompassing part of exon 26 (c.3731_3732+3del) of the MYH6 gene. It is expected to disrupt RNA splicing and likely results in an absent or disrupted protein product. This variant is not present in population databases (ExAC no frequency). This variant has not been reported in the literature in individuals with MYH6-related conditions. Algorithms developed to predict the effect of sequence changes on RNA splicing suggest that this variant may disrupt the consensus splice site, but this prediction has not been confirmed by published transcriptional studies. The current clinical and genetic evidence is not sufficient to establish whether loss-of-function variants in MYH6 cause disease. In summary, the available evidence is currently insufficient to determine the role of this variant in disease. Therefore, it has been classified as a Variant of Uncertain Significance.